The following is an entry in ClinVar:

NM_000041.4(APOE):c.335C>A (p.Ser112Tyr)

Gene: APOE (apolipoprotein E; plus strand). Cytogenetic location: 19q13.32.
Variant type: single nucleotide variant.
Coding change: c.335C>A on transcript NM_000041.4 (MANE Select); coding-DNA position 335, C replaced by A.
Protein change: p.Ser112Tyr; replaces serine 112 with tyrosine.
Molecular consequence: missense variant.
Genome position (GRCh38, 1-based): chr19:44,908,631, C>A. VCF-style: chr19-44908631-C-A. GRCh37 (hg19) VCF-style: chr19-45411888-C-A.
Other names: c.335C>A (NM_000041.2); c.335C>A, p.Ser112Tyr (NM_001302690.2, NM_001302691.2, NM_001302689.2); c.413C>A, p.Ser138Tyr (NM_001302688.2); short protein forms S112Y, S138Y.
Identifiers: ClinVar variation 1315880 (VCV001315880.7), dbSNP rs745552623, ClinGen allele CA9506043.

ClinVar aggregate classification (germline): Uncertain significance. Review status: criteria provided, multiple submitters, no conflicts (2 of 4 stars). 2 submissions from 2 submitters: Uncertain significance (2). Last evaluated 2026-09-04.

Conditions:
Cardiovascular phenotype. Identifiers: MedGen CN230736.

Allele frequency attached by ClinVar (database versions not stated): gnomAD exomes 0.00003; ExAC 0.00003; gnomAD 0.00005.

Submissions (2):

Ambry Genetics
Classification: Uncertain significance for Cardiovascular phenotype. Last evaluated: 2026-09-04. Review status: criteria provided, single submitter. Criteria: Ambry Variant Classification Scheme 2023. Collection method: clinical testing. Allele origin: germline.
Comment: The p.S112Y variant (also known as c.335C>A), located in coding exon 3 of the APOE gene, results from a C to A substitution at nucleotide position 335. The serine at codon 112 is replaced by tyrosine, an amino acid with dissimilar properties. This variant was reported in individual(s) with features consistent with hypercholesterolemia (Lamiquiz-Moneo I et al. Rev Esp Cardiol (Engl Ed), 2021 Aug;74:664-673). This amino acid position is poorly conserved in available vertebrate species. In addition, this alteration is predicted to be tolerated by in silico analysis. Based on the available evidence, the clinical significance of this variant remains unclear.

GeneDx
Classification: Uncertain significance. Last evaluated: 2026-08-18. Review status: criteria provided, single submitter. Criteria: GeneDx Variant Classification Process June 2021. Collection method: clinical testing. Allele origin: germline.
Comment: In silico analysis supports that this missense variant has a deleterious effect on protein structure/function; Has not been previously published as pathogenic or benign to our knowledge

Literature cited by the submitters: PubMed 32660911 (cited by Ambry Genetics).